The following is an entry in ClinVar:

ClinVar aggregate classification (germline): Benign/Likely benign. Review status: criteria provided, multiple submitters, no conflicts (2 of 4 stars). 8 submissions from 8 submitters: Benign (5); Likely benign (3). Last evaluated 2026-02-13.

Conditions:
Cardiovascular phenotype. Identifiers: MedGen CN230736.
Brittle cornea syndrome 1 (BCS1). Also called: Corneal fragility keratoglobus, blue sclerae AND joint hypermobility; DYSGENESIS MESODERMALIS CORNEAE ET SCLERAE; CORNEAL FRAGILITY, KERATOGLOBUS, BLUE SCLERAE, JOINT HYPEREXTENSIBILITY; EDS6B; FRAGILITAS OCULI WITH JOINT HYPEREXTENSIBILITY. Identifiers: Orphanet 90354, MedGen C0268344, MONDO:0024543, OMIM 229200.

Allele frequency attached by ClinVar (database versions not stated): gnomAD exomes 0.00185; ExAC 0.00345; gnomAD 0.00752; ESP Exome Variant Server 0.00833; 1000 Genomes Project 0.00859; 1000 Genomes Project 30x 0.00890; TOPMed 0.00964.
gnomAD v4.1: 2,391 of 1,550,408 alleles (0.15%); highest among the groups gnomAD compares: African/African-American, 2.8%; 38 homozygotes.

Submissions (8):

Women's Health and Genetics/Laboratory Corporation of America, LabCorp
Classification: Benign. Last evaluated: 2026-02-13. Review status: criteria provided, single submitter. Criteria: LabCorp Variant Classification Summary - May 2015. Collection method: clinical testing. Allele origin: germline.
Comment: Variant summary: ZNF469 c.5087C>T (p.Pro1696Leu) results in a non-conservative amino acid change in the encoded protein sequence. Algorithms developed to predict the effect of missense changes on protein structure and function are either unavailable or do not agree on the potential impact of this missense change. The variant allele was found at a frequency of 0.0019 in 153836 control chromosomes, predominantly at a frequency of 0.029 within the African or African-American subpopulation in the gnomAD database, including 3 homozygotes. The observed variant frequency within African or African-American control individuals in the gnomAD database exceeds the estimated maximal expected allele frequency for disease-causing variants in ZNF469, and the presence of homozygous controls in gnomAD is not consistent with the severe/early onset presentation of ZNF469-related conditions. c.5087C>T has been observed in the heterozygous state in at least 1 individual(s) affected with keratoconus (example, Fransen_2021) without strong evidence for causality. These report(s) do not provide unequivocal conclusions about association of the variant with Brittle cornea syndrome 1. To our knowledge, no experimental evidence demonstrating an impact on protein function has been reported. The following publications have been ascertained in the context of this evaluation (PMID: 26339402, 33737726). ClinVar contains an entry for this variant (Variation ID: 320936). Based on the evidence outlined above, the variant was classified as benign.

Labcorp Genetics (formerly Invitae), Labcorp
Classification: Benign. Last evaluated: 2026-02-02. Review status: criteria provided, single submitter. Criteria: Invitae Variant Classification Sherloc (09022015). Collection method: clinical testing. Allele origin: germline.

Mayo Clinic Laboratories, Mayo Clinic
Classification: Benign. Last evaluated: 2024-01-19. Review status: criteria provided, single submitter. Criteria: ACMG Guidelines, 2015. Collection method: clinical testing. Allele origin: germline. Observed: 10 variant alleles.
Comment: BS1, BS2, BP4

Genome-Nilou Lab
Classification: Benign for Brittle cornea syndrome 1. Last evaluated: 2021-12-05. Review status: criteria provided, single submitter. Criteria: ACMG Guidelines, 2015. Collection method: clinical testing. Allele origin: germline. Affected: no.

Ambry Genetics
Classification: Likely benign for Cardiovascular phenotype. Last evaluated: 2019-03-01. Review status: criteria provided, single submitter. Criteria: Ambry Variant Classification Scheme 2023. Collection method: clinical testing. Allele origin: germline.

GeneDx
Classification: Benign. Last evaluated: 2017-01-04. Review status: criteria provided, single submitter. Criteria: GeneDx Variant Classification (06012015). Collection method: clinical testing. Allele origin: germline. Affected: yes.
Comment: This variant is considered likely benign or benign based on one or more of the following criteria: it is a conservative change, it occurs at a poorly conserved position in the protein, it is predicted to be benign by multiple in silico algorithms, and/or has population frequency not consistent with disease.

Center for Pediatric Genomic Medicine, Children's Mercy Hospital and Clinics
Classification: Likely benign. Last evaluated: 2017-01-02. Review status: criteria provided, single submitter. Criteria: ACMG Guidelines, 2015. Collection method: clinical testing. Allele origin: germline.
ClinVar note: Converted during submission from Likely Benign to Likely benign.

Breakthrough Genomics
Classification: Likely benign. Review status: criteria provided, single submitter. Criteria: ACMG Guidelines, 2015. Collection method: not provided. Allele origin: germline. Inheritance: Autosomal recessive inheritance. Affected: yes.

Literature cited by the submitters: PubMed 33737726 (cited by Women's Health and Genetics/Laboratory Corporation of America, LabCorp); PubMed 26339402 (cited by Women's Health and Genetics/Laboratory Corporation of America, LabCorp).

NM_001367624.2(ZNF469):c.5087C>T (p.Pro1696Leu)

Gene: ZNF469 (zinc finger protein 469; plus strand). Cytogenetic location: 16q24.2.
Variant type: single nucleotide variant.
Coding change: c.5087C>T on transcript NM_001367624.2 (MANE Select); coding-DNA position 5087, C replaced by T.
Protein change: p.Pro1696Leu; replaces proline 1696 with leucine.
Molecular consequence: missense variant.
Genome position (GRCh38, 1-based): chr16:88,432,557, C>T. VCF-style: chr16-88432557-C-T. GRCh37 (hg19) VCF-style: chr16-88498965-C-T.
Other names: NM_001127464.1:c.5003C>T; p.Pro1696Leu; short protein forms P1696L.
Identifiers: ClinVar variation 320936 (VCV000320936.18), dbSNP rs115487796, ClinGen allele CA8225041.